The following is an entry in ClinVar:

NM_000257.4(MYH7):c.3377G>T (p.Arg1126Leu)

Gene: MYH7 (myosin heavy chain 7; minus strand). Cytogenetic location: 14q11.2.
Variant type: single nucleotide variant.
Coding change: c.3377G>T on transcript NM_000257.4 (MANE Select); coding-DNA position 3377, G replaced by T.
Protein change: p.Arg1126Leu; replaces arginine 1126 with leucine.
Molecular consequence: missense variant.
Genome position (GRCh38, 1-based): chr14:23,420,194, C>A on the plus strand (G>T on the coding strand, the complement: MYH7 is on the minus strand). VCF-style: chr14-23420194-C-A. GRCh37 (hg19) VCF-style: chr14-23889403-C-A.
Other names: short protein forms R1126L.
Identifiers: ClinVar variation 1317240 (VCV001317240.5), dbSNP rs1005639082, ClinGen allele CA389044084.

ClinVar aggregate classification (germline): Uncertain significance (1 of 4 stars; one submission).

Submission:

GeneDx
Classification: Uncertain significance. Last evaluated: 2025-09-16. Review status: criteria provided, single submitter. Criteria: GeneDx Variant Classification Process June 2021. Collection method: clinical testing. Allele origin: germline. Affected: yes.
Comment: Has not been previously published as pathogenic or benign to our knowledge; Not observed in large population cohorts (gnomAD); In silico analysis, which includes protein predictors and evolutionary conservation, supports a deleterious effect